The following is an entry in ClinVar:

ClinVar aggregate classification (germline): Uncertain significance (1 of 4 stars; one submission).

Conditions:
Perlman syndrome (PRLMNS). Identifiers: Orphanet 2849, MedGen C0796113, MONDO:0009965, OMIM 267000.

Allele frequency attached by ClinVar (database versions not stated): TOPMed below 0.00001; gnomAD 0.00001.
gnomAD v4.1: 6 of 1,613,654 alleles (0.00037%); highest among the groups gnomAD compares: East Asian, 0.0022%; no homozygotes.

Submission:

Labcorp Genetics (formerly Invitae), Labcorp
Classification: Uncertain significance for Perlman syndrome. Last evaluated: 2021-01-07. Review status: criteria provided, single submitter. Criteria: Invitae Variant Classification Sherloc (09022015). Collection method: clinical testing. Allele origin: germline.
Comment: In summary, the available evidence is currently insufficient to determine the role of this variant in disease. Therefore, it has been classified as a Variant of Uncertain Significance. Algorithms developed to predict the effect of missense changes on protein structure and function are either unavailable or do not agree on the potential impact of this missense change (SIFT: "Deleterious"; PolyPhen-2: "Possibly Damaging"; Align-GVGD: "Class C0"). This variant has not been reported in the literature in individuals with DIS3L2-related conditions. This variant is present in population databases (rs768385941, ExAC 0.002%). This sequence change replaces aspartic acid with histidine at codon 741 of the DIS3L2 protein (p.Asp741His). The aspartic acid residue is highly conserved and there is a moderate physicochemical difference between aspartic acid and histidine.

NM_152383.5(DIS3L2):c.2221G>C (p.Asp741His)

Gene: DIS3L2 (DIS3 like 3'-5' exoribonuclease 2; plus strand). Cytogenetic location: 2q37.1.
Variant type: single nucleotide variant.
Coding change: c.2221G>C on transcript NM_152383.5 (MANE Select); coding-DNA position 2221, G replaced by C.
Protein change: p.Asp741His; replaces aspartic acid 741 with histidine.
Molecular consequence: missense variant. On other transcripts: non-coding transcript variant (2), intron variant (1).
Genome position (GRCh38, 1-based): chr2:232,334,431, G>C. VCF-style: chr2-232334431-G-C. GRCh37 (hg19) VCF-style: chr2-233199141-G-C.
Other names: c.1582-8914G>C (NM_001257281.2); short protein forms D741H.
Identifiers: ClinVar variation 1500826 (VCV001500826.8), dbSNP rs768385941, ClinGen allele CA2164454.